The following is an entry in ClinVar:

ClinVar aggregate classification (germline): Likely pathogenic (1 of 4 stars; one submission).

Conditions:
Alstrom syndrome (ALMS). Identifiers: Orphanet 64, MedGen C0268425, MONDO:0008763, OMIM 203800.

gnomAD v4.1: 2 of 1,613,968 alleles (0.00012%); highest among the groups gnomAD compares: Non-Finnish European, 0.00017%; no homozygotes.

Submission:

Juno Genomics, Hangzhou Juno Genomics, Inc
Classification: Likely pathogenic for Alstrom syndrome. Review status: criteria provided, single submitter. Criteria: ACMG Guidelines, 2015. Collection method: clinical testing. Allele origin: germline.
Comment: Null variant in a gene where loss of function (LOF) is a known mechanism of disease.;Absent from controls (or at extremely low frequency if recessive) in Genome Aggregation Database.

NM_001378454.1(ALMS1):c.12112C>T (p.Gln4038Ter)

Genes: ALMS1 (ALMS1 centrosome and basal body associated protein; plus strand), LOC126806252 (BRD4-independent group 4 enhancer GRCh37_chr2:73828496-73829695; plus strand). Cytogenetic location: 2p13.1.
Variant type: single nucleotide variant.
Coding change: c.12112C>T on transcript NM_001378454.1 (MANE Select); coding-DNA position 12112, C replaced by T.
Protein change: p.Gln4038Ter; replaces glutamine 4038 with a stop codon.
Molecular consequence: nonsense.
Genome position (GRCh38, 1-based): chr2:73,601,434, C>T. VCF-style: chr2-73601434-C-T. GRCh37 (hg19) VCF-style: chr2-73828561-C-T.
Other names: c.12115C>T, p.Gln4039Ter (NM_015120.4); short protein forms Q4038*, Q4039*.
Identifiers: ClinVar variation 5006334 (VCV005006334.2).